The following is an entry in ClinVar:

ClinVar aggregate classification (germline): Uncertain significance (1 of 4 stars; one submission).

gnomAD v4.1: 12 of 1,614,094 alleles (0.00074%); highest among the groups gnomAD compares: Non-Finnish European, 0.001%; no homozygotes.

Submission:

Labcorp Genetics (formerly Invitae), Labcorp
Classification: Uncertain significance. Last evaluated: 2025-05-13. Review status: criteria provided, single submitter. Criteria: Invitae Variant Classification Sherloc (09022015). Collection method: clinical testing. Allele origin: germline.
Comment: This sequence change replaces threonine, which is neutral and polar, with isoleucine, which is neutral and non-polar, at codon 449 of the TBX4 protein (p.Thr449Ile). This variant is present in population databases (rs773667933, gnomAD 0.006%). This variant has not been reported in the literature in individuals affected with TBX4-related conditions. Invitae Evidence Modeling of protein sequence and biophysical properties (such as structural, functional, and spatial information, amino acid conservation, physicochemical variation, residue mobility, and thermodynamic stability) indicates that this missense variant is not expected to disrupt TBX4 protein function with a negative predictive value of 95%. In summary, the available evidence is currently insufficient to determine the role of this variant in disease. Therefore, it has been classified as a Variant of Uncertain Significance.

NM_001321120.2(TBX4):c.1349C>T (p.Thr450Ile)

Gene: TBX4 (T-box transcription factor 4; plus strand). Cytogenetic location: 17q23.2.
Variant type: single nucleotide variant.
Coding change: c.1349C>T on transcript NM_001321120.2 (MANE Select); coding-DNA position 1349, C replaced by T.
Protein change: p.Thr450Ile; replaces threonine 450 with isoleucine.
Molecular consequence: missense variant.
Genome position (GRCh38, 1-based): chr17:61,483,224, C>T. VCF-style: chr17-61483224-C-T. GRCh37 (hg19) VCF-style: chr17-59560585-C-T.
Other names: c.1346C>T, p.Thr449Ile (NM_018488.3); short protein forms T449I, T450I.
Identifiers: ClinVar variation 4799722 (VCV004799722.1).